The following is an entry in ClinVar:

NM_000888.5(ITGB6):c.44G>A (p.Arg15Lys)

Gene: ITGB6 (integrin subunit beta 6; minus strand). Cytogenetic location: 2q24.2.
Variant type: single nucleotide variant.
Coding change: c.44G>A on transcript NM_000888.5 (MANE Select); coding-DNA position 44, G replaced by A.
Protein change: p.Arg15Lys; replaces arginine 15 with lysine.
Molecular consequence: missense variant. On other transcripts: 5 prime UTR variant (3).
Genome position (GRCh38, 1-based): chr2:160,200,020, C>T on the plus strand (G>A on the coding strand, the complement: ITGB6 is on the minus strand). VCF-style: chr2-160200020-C-T. GRCh37 (hg19) VCF-style: chr2-161056531-C-T.
Other names: c.44G>A, p.Arg15Lys (NM_001282353.2, NM_001282354.2, NM_001282355.2); c.-3G>A (NM_001282388.2, NM_001282389.2); c.-118G>A (NM_001282390.2); short protein forms R15K.
Identifiers: ClinVar variation 718905 (VCV000718905.7), dbSNP rs188990572, ClinGen allele CA1929659.

ClinVar aggregate classification (germline): Benign/Likely benign. Review status: criteria provided, multiple submitters, no conflicts (2 of 4 stars). 3 submissions from 3 submitters: Benign (1); Likely benign (1). 1 of the submissions does not count toward it. Last evaluated 2024-11-08.

Conditions:
ITGB6-related disorder. Also called: ITGB6-related condition.

Allele frequency attached by ClinVar (database versions not stated): ESP Exome Variant Server 0.00015; gnomAD exomes 0.00046 and 0.00220; gnomAD 0.00081 and 0.00092; TOPMed 0.00120; ExAC 0.00182; 1000 Genomes Project 0.00300; 1000 Genomes Project 30x 0.00359.
gnomAD v4.1: 854 of 1,613,668 alleles (0.053%); highest among the groups gnomAD compares: East Asian, 0.85%; 5 homozygotes.

Submissions (3):

Blueprint Genetics
Classification: Likely benign. Last evaluated: 2024-11-08. Review status: criteria provided, single submitter. Criteria: ACMG Guidelines, 2015. Collection method: clinical testing. Allele origin: germline.

Labcorp Genetics (formerly Invitae), Labcorp
Classification: Benign. Last evaluated: 2019-12-31. Review status: criteria provided, single submitter. Criteria: Invitae Variant Classification Sherloc (09022015). Collection method: clinical testing. Allele origin: germline.

PreventionGenetics, part of Exact Sciences
Classification: Benign for ITGB6-related condition. Last evaluated: 2020-01-22. Review status: no assertion criteria provided. Collection method: clinical testing. Allele origin: germline. Not counted in ClinVar's aggregate classification.
Comment: This variant is classified as benign based on ACMG/AMP sequence variant interpretation guidelines (Richards et al. 2015 PMID: 25741868, with internal and published modifications).